The following is an entry in ClinVar:

ClinVar aggregate classification (germline): Uncertain significance. Review status: criteria provided, multiple submitters, no conflicts (2 of 4 stars). 4 submissions from 4 submitters: Uncertain significance (4). Last evaluated 2024-03-07.

Conditions:
Catecholaminergic polymorphic ventricular tachycardia 1. Also called: VENTRICULAR TACHYCARDIA, CATECHOLAMINERGIC POLYMORPHIC, 1, WITH OR WITHOUT ATRIAL DYSFUNCTION AND/OR DILATED CARDIOMYOPATHY; RYR2-Related Catecholaminergic Polymorphic Ventricular Tachycardia; VENTRICULAR TACHYCARDIA, STRESS-INDUCED POLYMORPHIC 1. Identifiers: Orphanet 3286, MedGen C1631597, MONDO:0011484, OMIM 604772.
Cardiovascular phenotype. Identifiers: MedGen CN230736.
Cardiomyopathy (CMYO). Also called: Cardiomyopathies. Identifiers: Orphanet 167848, MedGen C0878544, MONDO:0004994, HP:0001638. Inheritance: Various modes of inheritance.
Catecholaminergic polymorphic ventricular tachycardia (CVPT). Also called: Catecholamine-induced polymorphic ventricular tachycardia. Identifiers: Orphanet 3286, MedGen C5574922, MONDO:0017990.

Submissions (4):

Color Diagnostics, LLC DBA Color Health
Classification: Uncertain significance for Cardiomyopathy. Last evaluated: 2024-03-07. Review status: criteria provided, single submitter. Criteria: ACMG Guidelines, 2015. Collection method: clinical testing. Allele origin: germline.
Comment: This missense variant replaces glycine with valine at codon 4 of the RYR2 protein. Computational prediction suggests that this variant may not impact protein structure and function (internally defined REVEL score threshold <= 0.5, PMID: 27666373). To our knowledge, functional studies have not been reported for this variant. This variant has not been reported in individuals affected with RYR2-related disorders in the literature. This variant has been identified in 1/31170 chromosomes in the general population by the Genome Aggregation Database (gnomAD). The available evidence is insufficient to determine the role of this variant in disease conclusively. Therefore, this variant is classified as a Variant of Uncertain Significance.

Ambry Genetics
Classification: Uncertain significance for Cardiovascular phenotype. Last evaluated: 2023-07-07. Review status: criteria provided, single submitter. Criteria: Ambry Variant Classification Scheme 2023. Collection method: clinical testing. Allele origin: germline.
Comment: The p.G4V variant (also known as c.11G>T), located in coding exon 1 of the RYR2 gene, results from a G to T substitution at nucleotide position 11. The glycine at codon 4 is replaced by valine, an amino acid with dissimilar properties. This amino acid position is well conserved in available vertebrate species. In addition, this alteration is predicted to be tolerated by in silico analysis. Since supporting evidence is limited at this time, the clinical significance of this alteration remains unclear.

All of Us Research Program, National Institutes of Health
Classification: Uncertain significance for Catecholaminergic polymorphic ventricular tachycardia. Last evaluated: 2023-05-04. Review status: criteria provided, single submitter. Criteria: ACMG Guidelines, 2015. Collection method: clinical testing. Allele origin: germline. Inheritance: Autosomal dominant inheritance. Observed: 1 variant allele, 1 heterozygote.
Comment: This missense variant replaces glycine with valine at codon 4 of the RYR2 protein. Computational prediction suggests that this variant may not impact protein structure and function (internally defined REVEL score threshold <= 0.5, PMID: 27666373). To our knowledge, functional studies have not been reported for this variant. This variant has not been reported in individuals affected with cardiovascular disorders in the literature. This variant has been identified in 1/31170 chromosomes in the general population by the Genome Aggregation Database (gnomAD). The available evidence is insufficient to determine the role of this variant in disease conclusively. Therefore, this variant is classified as a Variant of Uncertain Significance.

This study involves interpretation of variants in research participants for the purpose of population health screening. Participant phenotype was not available at the time of variant classification. Additional details can be found in publication PMID: 35346344, PMCID: PMC8962531

Labcorp Genetics (formerly Invitae), Labcorp
Classification: Uncertain significance for Catecholaminergic polymorphic ventricular tachycardia 1. Last evaluated: 2021-02-15. Review status: criteria provided, single submitter. Criteria: Invitae Variant Classification Sherloc (09022015). Collection method: clinical testing. Allele origin: germline.
Comment: In summary, the available evidence is currently insufficient to determine the role of this variant in disease. Therefore, it has been classified as a Variant of Uncertain Significance. Advanced modeling of protein sequence and biophysical properties (such as structural, functional, and spatial information, amino acid conservation, physicochemical variation, residue mobility, and thermodynamic stability) performed at Invitae indicates that this missense variant is not expected to disrupt RYR2 protein function. This sequence change replaces glycine with valine at codon 4 of the RYR2 protein (p.Gly4Val). The glycine residue is weakly conserved and there is a moderate physicochemical difference between glycine and valine. The frequency data for this variant in the population databases is considered unreliable, as metrics indicate insufficient coverage at this position in the ExAC database. This variant has not been reported in the literature in individuals with RYR2-related conditions.

NM_001035.3(RYR2):c.11G>T (p.Gly4Val)

Gene: RYR2 (ryanodine receptor 2; plus strand). Cytogenetic location: 1q43.
Variant type: single nucleotide variant.
Coding change: c.11G>T on transcript NM_001035.3 (MANE Select); coding-DNA position 11, G replaced by T.
Protein change: p.Gly4Val; replaces glycine 4 with valine.
Molecular consequence: missense variant.
Genome position (GRCh38, 1-based): chr1:237,042,532, G>T. VCF-style: chr1-237042532-G-T. GRCh37 (hg19) VCF-style: chr1-237205832-G-T.
Other names: c.11G>T (NM_001035.2); short protein forms G4V.
Identifiers: ClinVar variation 1427591 (VCV001427591.13), dbSNP rs866878858, ClinGen allele CA39930528.